The following is an entry in ClinVar:

NM_017617.5(NOTCH1):c.6769G>A (p.Ala2257Thr)

Gene: NOTCH1 (notch receptor 1; minus strand). Cytogenetic location: 9q34.3.
Variant type: single nucleotide variant.
Coding change: c.6769G>A on transcript NM_017617.5 (MANE Select); coding-DNA position 6769, G replaced by A.
Protein change: p.Ala2257Thr; replaces alanine 2257 with threonine.
Molecular consequence: missense variant.
Genome position (GRCh38, 1-based): chr9:136,496,970, C>T on the plus strand (G>A on the coding strand, the complement: NOTCH1 is on the minus strand). VCF-style: chr9-136496970-C-T. GRCh37 (hg19) VCF-style: chr9-139391422-C-T.
Other names: c.6769G>A, p.Ala2257Thr (LRG_1122t1); short protein forms A2257T.
Identifiers: ClinVar variation 134952 (VCV000134952.11), dbSNP rs587778572, ClinGen allele CA161231.

ClinVar aggregate classification (germline): Conflicting classifications of pathogenicity. Review status: criteria provided, conflicting classifications (1 of 4 stars). 4 submissions from 4 submitters: Uncertain significance (1); Likely benign (2). 1 of the submissions does not count toward it. Last evaluated 2025-07-30.

Conditions:
Adams-Oliver syndrome 5 (AOS5). Identifiers: Orphanet 974, MedGen C4014970, MONDO:0014459, OMIM 616028.
Familial thoracic aortic aneurysm and aortic dissection (TAAD). Also called: Thoracic aortic aneurysms and dissections. Identifiers: Orphanet 91387, MedGen C4707243, MONDO:0019625.

Allele frequency attached by ClinVar (database versions not stated): ExAC 0.00001; gnomAD exomes 0.00001; TOPMed 0.00002.
gnomAD v4.1: 50 of 1,610,852 alleles (0.0031%); highest among the groups gnomAD compares: Non-Finnish European, 0.0042%; no homozygotes.

Submissions (4):

Ambry Genetics
Classification: Likely benign for Familial thoracic aortic aneurysm and aortic dissection. Last evaluated: 2025-07-30. Review status: criteria provided, single submitter. Criteria: Ambry Variant Classification Scheme 2023. Collection method: clinical testing. Allele origin: germline.

GeneDx
Classification: Uncertain significance. Last evaluated: 2024-07-09. Review status: criteria provided, single submitter. Criteria: GeneDx Variant Classification Process June 2021. Collection method: clinical testing. Allele origin: germline. Affected: yes.
Comment: Not observed at significant frequency in large population cohorts (gnomAD); In silico analysis indicates that this missense variant does not alter protein structure/function; Has not been previously published as pathogenic or benign in relation to NOTCH1-related disorders to our knowledge; This variant is associated with the following publications: (PMID: 33599171)

Labcorp Genetics (formerly Invitae), Labcorp
Classification: Likely benign for Adams-Oliver syndrome 5. Last evaluated: 2022-08-09. Review status: criteria provided, single submitter. Criteria: Invitae Variant Classification Sherloc (09022015). Collection method: clinical testing. Allele origin: germline.

ITMI
No classification provided. Condition: AllHighlyPenetrant. Last evaluated: 2013-09-19. Review status: no classification provided. Collection method: reference population. Allele origin: germline. Not counted in ClinVar's aggregate classification.
Comment: Please see associated publication for description of ethnicities

Literature cited by the submitters: PubMed 24728327 (cited by ITMI).